The following is an entry in ClinVar:

NM_000059.4(BRCA2):c.2368G>T (p.Glu790Ter)

Gene: BRCA2 (BRCA2 DNA repair associated; plus strand). Cytogenetic location: 13q13.1.
Variant type: single nucleotide variant.
Coding change: c.2368G>T on transcript NM_000059.4 (MANE Select); coding-DNA position 2368, G replaced by T.
Protein change: p.Glu790Ter; replaces glutamic acid 790 with a stop codon.
Molecular consequence: nonsense.
Genome position (GRCh38, 1-based): chr13:32,336,723, G>T. VCF-style: chr13-32336723-G-T. GRCh37 (hg19) VCF-style: chr13-32910860-G-T.
Other names: 2596G>T; short protein forms E790*.
Identifiers: ClinVar variation 91776 (VCV000091776.35), dbSNP rs398122746, ClinGen allele CA015053.

ClinVar aggregate classification (germline): Pathogenic. Review status: reviewed by expert panel (3 of 4 stars). 13 submissions from 13 submitters: Pathogenic (1). 12 of the submissions do not count toward it. Last evaluated 2016-09-08.

Conditions:
Hereditary breast ovarian cancer syndrome. Also called: Breast and ovarian cancer; Hereditary breast and ovarian cancer; Hereditary breast and ovarian cancer syndrome; BRCA1- and BRCA2-Associated Hereditary Breast and Ovarian Cancer; Hereditary breast and ovarian cancer syndrome (HBOC); Hereditary breast and/or ovarian cancer syndrome. Identifiers: Orphanet 145, MedGen C0677776, MeSH D061325, MONDO:0003582. Disease mechanism: loss of function.
Familial cancer of breast. Also called: BREAST CANCER, FAMILIAL; hereditary breast carcinoma; Hereditary breast cancer. Identifiers: Orphanet 227535, MedGen C0346153, MONDO:0016419, OMIM 114480. Disease mechanism: loss of function.
Hereditary cancer-predisposing syndrome. Also called: Tumor predisposition; Hereditary Cancer Syndrome; Neoplastic Syndromes, Hereditary; Hereditary neoplastic syndrome. Identifiers: Orphanet 140162, MedGen C0027672, MeSH D009386, MONDO:0015356.
Breast-ovarian cancer, familial, susceptibility to, 2 (BROVCA2). Also called: BRCA2 Hereditary Breast and Ovarian Cancer. Identifiers: Orphanet 145, MedGen C2675520, MONDO:0012933, OMIM 612555. Disease mechanism: loss of function.

Submissions (13):

Evidence-based Network for the Interpretation of Germline Mutant Alleles (ENIGMA)
Classification: Pathogenic for Breast-ovarian cancer, familial, susceptibility to, 2. Last evaluated: 2016-09-08. Review status: reviewed by expert panel. Criteria: ENIGMA BRCA1/2 Classification Criteria (2015). Collection method: curation. Allele origin: germline.
Comment: Variant allele predicted to encode a truncated non-functional protein.

Ambry Genetics
Classification: Pathogenic for Hereditary cancer-predisposing syndrome. Last evaluated: 2025-08-13. Review status: criteria provided, single submitter. Criteria: Ambry Variant Classification Scheme 2023. Collection method: clinical testing. Allele origin: germline. Not counted in ClinVar's aggregate classification.
Comment: The p.E790* pathogenic mutation (also known as c.2368G>T), located in coding exon 10 of the BRCA2 gene, results from a G to T substitution at nucleotide position 2368. This changes the amino acid from a glutamic acid to a stop codon within coding exon 10. This variant is considered to be rare based on population cohorts in the Genome Aggregation Database (gnomAD). This alteration is expected to result in loss of function by premature protein truncation or nonsense-mediated mRNA decay. As such, this alteration is interpreted as a disease-causing mutation.

Labcorp Genetics (formerly Invitae), Labcorp
Classification: Pathogenic for Hereditary breast ovarian cancer syndrome. Last evaluated: 2025-08-11. Review status: criteria provided, single submitter. Criteria: Invitae Variant Classification Sherloc (09022015). Collection method: clinical testing. Allele origin: germline. Not counted in ClinVar's aggregate classification.
Comment: This sequence change creates a premature translational stop signal (p.Glu790*) in the BRCA2 gene. It is expected to result in an absent or disrupted protein product. Loss-of-function variants in BRCA2 are known to be pathogenic (PMID: 20104584). This variant is not present in population databases (gnomAD no frequency). This variant has not been reported in the literature in individuals affected with BRCA2-related conditions. ClinVar contains an entry for this variant (Variation ID: 91776). For these reasons, this variant has been classified as Pathogenic.

Molecular Pathology, Peter Maccallum Cancer Centre
Classification: Pathogenic for Breast-ovarian cancer, familial, susceptibility to, 2. Last evaluated: 2025-01-22. Review status: criteria provided, single submitter. Criteria: ACMG Guidelines, 2015. Collection method: clinical testing. Allele origin: germline. Inheritance: Autosomal dominant inheritance. Not counted in ClinVar's aggregate classification.

Quest Diagnostics Nichols Institute San Juan Capistrano
Classification: Pathogenic. Last evaluated: 2024-10-17. Review status: criteria provided, single submitter. Criteria: Quest Diagnostics criteria. Collection method: clinical testing. Allele origin: unknown. Not counted in ClinVar's aggregate classification.
Comment: The BRCA2 c.2368G>T (p.Glu790*) variant causes the premature termination of BRCA2 protein synthesis. This variant has been reported in the published literature in individuals with breast cancer (PMID: 33471991 (2021)) and non-small cell lung cancer (PMID: 31565484 (2019)). This variant has not been reported in large, multi-ethnic general populations (Genome Aggregation Database). Based on the available information, this variant is classified as pathogenic.

Color Diagnostics, LLC DBA Color Health
Classification: Pathogenic for Hereditary cancer-predisposing syndrome. Last evaluated: 2023-07-24. Review status: criteria provided, single submitter. Criteria: ACMG Guidelines, 2015. Collection method: clinical testing. Allele origin: germline. Not counted in ClinVar's aggregate classification.
Comment: This variant changes 1 nucleotide in exon 11 of the BRCA2 gene, creating a premature translation stop signal. This variant is expected to result in an absent or non-functional protein product. This variant has been reported in an individual affected with breast cancer (PMID: 33471991; Leiden Open Variation Database DB-ID BRCA2_004360) and three suspected hereditary breast and ovarian cancer families (PMID: 29446198). This variant has not been identified in the general population by the Genome Aggregation Database (gnomAD). Loss of BRCA2 function is a known mechanism of disease. Based on the available evidence, this variant is classified as Pathogenic.

GeneDx
Classification: Pathogenic. Last evaluated: 2023-06-01. Review status: criteria provided, single submitter. Criteria: GeneDx Variant Classification Process June 2021. Collection method: clinical testing. Allele origin: germline. Affected: yes. Not counted in ClinVar's aggregate classification.
Comment: Nonsense variant predicted to result in protein truncation or nonsense mediated decay in a gene for which loss-of-function is a known mechanism of disease; Truncating variants in this gene are considered pathogenic by a well-established clinical consortium and/or database; Not observed at significant frequency in large population cohorts (gnomAD); Also known as 2596G>T; Reported as a pathogenic variant in several families by the Consortium of Investigators of Modifiers of BRCA1/2 (CIMBA) and observed in an individual with lung cancer (Rebbeck et al., 2018; Hu et al., 2019); This variant is associated with the following publications: (PMID: 31565484, 29446198, 29884841, 32377563, 31853058, 35483882, 20104584)

Baylor Genetics
Classification: Pathogenic for Familial cancer of breast. Last evaluated: 2023-04-22. Review status: criteria provided, single submitter. Criteria: ACMG Guidelines, 2015. Collection method: clinical testing. Allele origin: unknown. Not counted in ClinVar's aggregate classification.

Revvity Omics, Revvity
Classification: Likely pathogenic. Last evaluated: 2022-11-10. Review status: criteria provided, single submitter. Criteria: ACMG Guidelines, 2015. Collection method: clinical testing. Allele origin: germline. Not counted in ClinVar's aggregate classification.

Laboratory for Molecular Medicine, Mass General Brigham Personalized Medicine
Classification: Pathogenic for Hereditary breast ovarian cancer syndrome. Last evaluated: 2019-01-31. Review status: criteria provided, single submitter. Criteria: LMM Criteria. Collection method: clinical testing. Allele origin: germline. Inheritance: Autosomal dominant inheritance. Observed: 1 variant allele. Not counted in ClinVar's aggregate classification.
Comment: The p.Glu790X variant in BRCA2 has not been previously reported in individuals with BRCA2-associated cancers or in large population studies. This nonsense variant leads to a premature termination codon at position 790, which is predicted to lead to a truncated or absent protein. Heterozygous loss of function of the BRCA2 gene is an established disease mechanism in hereditary breast and ovarian cancer (HBOC). In summary, this variant meets our criteria to be classified as pathogenic for HBOC in an autosomal dominant manner based upon the predicted impact to the protein. ACMG/AMP criteria applied: PVS1, PM2.

Women's Health and Genetics/Laboratory Corporation of America, LabCorp
Classification: Pathogenic for Hereditary breast ovarian cancer syndrome. Last evaluated: 2017-02-21. Review status: criteria provided, single submitter. Criteria: LabCorp Variant Classification Summary - May 2015. Collection method: clinical testing. Allele origin: germline. Not counted in ClinVar's aggregate classification.
Comment: Variant summary: The BRCA2 c.2368G>T (p.Glu790X) variant results in a premature termination codon, predicted to cause a truncated or absent BRCA2 protein due to nonsense mediated decay, which are commonly known mechanisms for disease. Truncations downstream of this position have been classified as pathogenic by our laboratory (e.g., c.2389G>T [p.Glu797X], c.2603C>G [p.Ser868X], and c.2675T>A [p.Leu892X]). One in silico tool, Mutation Taster, predicts a damaging outcome for this variant. This variant is absent in the large control population database ExAC (0/120798 control chromosomes). In addition, multiple clinical diagnostic laboratories/reputable databases have classified this variant as pathogenic. However, the variant of interest has not, to our knowledge, been reported in affected individuals via publications nor evaluated for functional impact by in vivo/vitro studies. Taken together, this variant is classified as "pathogenic."

Consortium of Investigators of Modifiers of BRCA1/2 (CIMBA), c/o University of Cambridge
Classification: Pathogenic for Breast-ovarian cancer, familial, susceptibility to, 2. Last evaluated: 2015-10-02. Review status: criteria provided, single submitter. Criteria: CIMBA Mutation Classification guidelines May 2016. Collection method: clinical testing. Allele origin: germline. Not counted in ClinVar's aggregate classification.

Sharing Clinical Reports Project (SCRP)
Classification: Pathogenic for Breast-ovarian cancer, familial 2. Last evaluated: 2010-11-01. Review status: no assertion criteria provided. Collection method: clinical testing. Allele origin: germline. Not counted in ClinVar's aggregate classification.

Literature cited by the submitters: PubMed 29446198 (cited by 3 submitters); PubMed 20104584 (cited by Labcorp Genetics (formerly Invitae), Labcorp); PubMed 33471991 (cited by Quest Diagnostics Nichols Institute San Juan Capistrano and Color Diagnostics, LLC DBA Color Health); PubMed 35483882 (cited by Quest Diagnostics Nichols Institute San Juan Capistrano); PubMed 31565484 (cited by Quest Diagnostics Nichols Institute San Juan Capistrano).